The following is an entry in ClinVar:

NM_001267550.2(TTN):c.104080T>G (p.Ser34694Ala)

Genes: TTN (titin; minus strand), TTN-AS1 (TTN antisense RNA 1; plus strand). Cytogenetic location: 2q31.2.
Variant type: single nucleotide variant.
Coding change: c.104080T>G on transcript NM_001267550.2 (MANE Select); coding-DNA position 104080, T replaced by G.
Protein change: p.Ser34694Ala; replaces serine 34694 with alanine.
Molecular consequence: missense variant.
Genome position (GRCh38, 1-based): chr2:178,532,535, A>C on the plus strand (T>G on the coding strand, the complement: TTN is on the minus strand). VCF-style: chr2-178532535-A-C. GRCh37 (hg19) VCF-style: chr2-179397262-A-C.
Other names: c.99157T>G, p.Ser33053Ala (NM_001256850.1); c.76885T>G, p.Ser25629Ala (NM_003319.4); c.96376T>G, p.Ser32126Ala (NM_133378.4); c.77260T>G, p.Ser25754Ala (NM_133432.3); c.77461T>G, p.Ser25821Ala (NM_133437.4); short protein forms S25754A, S33053A, S25629A, S25821A, S32126A, S34694A.
Identifiers: ClinVar variation 1435245 (VCV001435245.13), dbSNP rs768203673, ClinGen allele CA1985488.

ClinVar aggregate classification (germline): Uncertain significance. Review status: criteria provided, multiple submitters, no conflicts (2 of 4 stars). 2 submissions from 2 submitters: Uncertain significance (2). Last evaluated 2025-10-13.

Conditions:
Dilated cardiomyopathy 1G (CMD1G). Identifiers: Orphanet 154, MedGen C1858763, MONDO:0011400, OMIM 604145.
Autosomal recessive limb-girdle muscular dystrophy type 2J (LGMDR10). Also called: Limb-girdle muscular dystrophy, type 2J; MUSCULAR DYSTROPHY, LIMB-GIRDLE, AUTOSOMAL RECESSIVE 10. Identifiers: Orphanet 140922, MedGen C1837342, MONDO:0012127, OMIM 608807.

Allele frequency attached by ClinVar (database versions not stated): TOPMed 0.00001.
gnomAD v4.1: 24 of 1,613,962 alleles (0.0015%); highest among the groups gnomAD compares: Non-Finnish European, 0.002%; no homozygotes.

Submissions (2):

Labcorp Genetics (formerly Invitae), Labcorp
Classification: Uncertain significance for Dilated cardiomyopathy 1G; Autosomal recessive limb-girdle muscular dystrophy type 2J. Last evaluated: 2025-10-13. Review status: criteria provided, single submitter. Criteria: Invitae Variant Classification Sherloc (09022015). Collection method: clinical testing. Allele origin: germline.
Comment: This sequence change replaces serine, which is neutral and polar, with alanine, which is neutral and non-polar, at codon 34694 of the TTN protein (p.Ser34694Ala). This variant is present in population databases (rs768203673, gnomAD 0.01%). This variant has not been reported in the literature in individuals affected with TTN-related conditions. ClinVar contains an entry for this variant (Variation ID: 1435245). Experimental studies and prediction algorithms are not available or were not evaluated, and the functional significance of this variant is currently unknown. This variant is located in the M band of TTN (PMID: 25589632). Non-truncating variants in this region may be relevant for neuromuscular disorders, but have not been definitively shown to cause cardiomyopathy (PMID: 23975875). In summary, the available evidence is currently insufficient to determine the role of this variant in disease. Therefore, it has been classified as a Variant of Uncertain Significance.

Revvity Omics, Revvity
Classification: Uncertain significance. Last evaluated: 2021-12-09. Review status: criteria provided, single submitter. Criteria: ACMG Guidelines, 2015. Collection method: clinical testing. Allele origin: germline.

Literature cited by the submitters: PubMed 25589632 (cited by Labcorp Genetics (formerly Invitae), Labcorp); PubMed 23975875 (cited by Labcorp Genetics (formerly Invitae), Labcorp).